The following is an entry in ClinVar:

ClinVar aggregate classification (germline): Uncertain significance. Review status: criteria provided, multiple submitters, no conflicts (2 of 4 stars). 2 submissions from 2 submitters: Uncertain significance (2). Last evaluated 2025-11-05.

Conditions:
Inborn genetic diseases. Identifiers: MedGen C0950123, MeSH D030342.

Submissions (2):

Ambry Genetics
Classification: Uncertain significance for Inborn genetic diseases. Last evaluated: 2025-11-05. Review status: criteria provided, single submitter. Criteria: Ambry Variant Classification Scheme 2023. Collection method: clinical testing. Allele origin: germline.

GeneDx
Classification: Uncertain significance. Last evaluated: 2023-05-19. Review status: criteria provided, single submitter. Criteria: GeneDx Variant Classification Process June 2021. Collection method: clinical testing. Allele origin: germline. Affected: yes.
Comment: Not observed at significant frequency in large population cohorts (gnomAD); In silico analysis supports that this missense variant does not alter protein structure/function; Has not been previously published as pathogenic or benign to our knowledge

NM_182641.4(BPTF):c.5038A>C (p.Lys1680Gln)

Gene: BPTF (bromodomain PHD finger transcription factor; plus strand). Cytogenetic location: 17q24.2.
Variant type: single nucleotide variant.
Coding change: c.5038A>C on transcript NM_182641.4 (MANE Select); coding-DNA position 5038, A replaced by C.
Protein change: p.Lys1680Gln; replaces lysine 1680 with glutamine.
Molecular consequence: missense variant.
Genome position (GRCh38, 1-based): chr17:67,912,922, A>C. VCF-style: chr17-67912922-A-C. GRCh37 (hg19) VCF-style: chr17-65909038-A-C.
Other names: c.5038A>C (NM_182641.3); c.5416A>C, p.Lys1806Gln (NM_004459.7); short protein forms K1680Q, K1806Q.
Identifiers: ClinVar variation 3343495 (VCV003343495.2).
Genomic context (GRCh38, chr17:67,912,922, plus strand): 5'-ACAGTGACAGACTCCCTGACCACCACGGGAGGCACACTGGTTACATCTATGACTGTGAGC[A>C]AAGAGTATTCCACACGAGACAAAGTGAAACTGATGAAATTTTCAAGACCAAAGAAGACTC-3'
Protein context (NP_872579.2, residues 1670-1690): GTLVTSMTVS[Lys1680Gln]EYSTRDKVKL